The following is an entry in ClinVar:

NM_000135.4(FANCA):c.2376T>C (p.Gly792=)

Gene: FANCA (FA complementation group A; minus strand). Cytogenetic location: 16q24.3.
Variant type: single nucleotide variant.
Coding change: c.2376T>C on transcript NM_000135.4 (MANE Select); coding-DNA position 2376, T replaced by C.
Protein change: p.Gly792=; no amino-acid change (glycine 792 retained).
Molecular consequence: synonymous variant.
Genome position (GRCh38, 1-based): chr16:89,769,965, A>G on the plus strand (T>C on the coding strand, the complement: FANCA is on the minus strand). VCF-style: chr16-89769965-A-G. GRCh37 (hg19) VCF-style: chr16-89836373-A-G.
Other names: c.2376T>C, p.Gly792= (NM_001286167.3).
Identifiers: ClinVar variation 697936 (VCV000697936.17), dbSNP rs756138062, ClinGen allele CA8251741.

ClinVar aggregate classification (germline): Likely benign. Review status: criteria provided, multiple submitters, no conflicts (2 of 4 stars). 4 submissions from 4 submitters: Likely benign (3). 1 of the submissions does not count toward it. Last evaluated 2025-09-05.

Conditions:
FANCA-related disorder. Also called: FANCA-related condition.
Inborn genetic diseases. Identifiers: MedGen C0950123, MeSH D030342.
Fanconi anemia (FA). Also called: Fanconi's anemia. Identifiers: Orphanet 84, MedGen C0015625, MeSH D005199, MONDO:0019391.

Allele frequency attached by ClinVar (database versions not stated): gnomAD exomes below 0.00001 and 0.00001; ExAC 0.00003; gnomAD 0.00008 and 0.00009; TOPMed 0.00009.

Submissions (4):

Labcorp Genetics (formerly Invitae), Labcorp
Classification: Likely benign for Fanconi anemia. Last evaluated: 2025-09-05. Review status: criteria provided, single submitter. Criteria: Invitae Variant Classification Sherloc (09022015). Collection method: clinical testing. Allele origin: germline.

Ambry Genetics
Classification: Likely benign for Inborn genetic diseases. Last evaluated: 2024-11-22. Review status: criteria provided, single submitter. Criteria: Ambry Variant Classification Scheme 2023. Collection method: clinical testing. Allele origin: germline.

Genetic Services Laboratory, University of Chicago
Classification: Likely benign. Last evaluated: 2021-08-27. Review status: criteria provided, single submitter. Criteria: ACMG Guidelines, 2015. Collection method: clinical testing. Allele origin: germline. Affected: no.

PreventionGenetics, part of Exact Sciences
Classification: Likely benign for FANCA-related condition. Last evaluated: 2024-01-18. Review status: no assertion criteria provided. Collection method: clinical testing. Allele origin: germline. Not counted in ClinVar's aggregate classification.
Comment: This variant is classified as likely benign based on ACMG/AMP sequence variant interpretation guidelines (Richards et al. 2015 PMID: 25741868, with internal and published modifications).